The following is an entry in ClinVar:

ClinVar aggregate classification (germline): Uncertain significance (1 of 4 stars; one submission).

Allele frequency attached by ClinVar (database versions not stated): gnomAD exomes 0.00001; TOPMed 0.00001.
gnomAD v4.1: 6 of 1,613,896 alleles (0.00037%); highest among the groups gnomAD compares: Admixed American, 0.0033%; 1 homozygote.

Submission:

Labcorp Genetics (formerly Invitae), Labcorp
Classification: Uncertain significance. Last evaluated: 2022-01-16. Review status: criteria provided, single submitter. Criteria: Invitae Variant Classification Sherloc (09022015). Collection method: clinical testing. Allele origin: germline.
Comment: This sequence change replaces alanine, which is neutral and non-polar, with threonine, which is neutral and polar, at codon 300 of the SLC26A3 protein (p.Ala300Thr). This variant is not present in population databases (gnomAD no frequency). This variant has not been reported in the literature in individuals affected with SLC26A3-related conditions. Algorithms developed to predict the effect of missense changes on protein structure and function are either unavailable or do not agree on the potential impact of this missense change (SIFT: "Tolerated"; PolyPhen-2: "Possibly Damaging"; Align-GVGD: "Class C0"). In summary, the available evidence is currently insufficient to determine the role of this variant in disease. Therefore, it has been classified as a Variant of Uncertain Significance.

NM_000111.3(SLC26A3):c.898G>A (p.Ala300Thr)

Gene: SLC26A3 (solute carrier family 26 member 3; minus strand). Cytogenetic location: 7q22.3.
Variant type: single nucleotide variant.
Coding change: c.898G>A on transcript NM_000111.3 (MANE Select); coding-DNA position 898, G replaced by A.
Protein change: p.Ala300Thr; replaces alanine 300 with threonine.
Molecular consequence: missense variant.
Genome position (GRCh38, 1-based): chr7:107,786,900, C>T on the plus strand (G>A on the coding strand, the complement: SLC26A3 is on the minus strand). VCF-style: chr7-107786900-C-T. GRCh37 (hg19) VCF-style: chr7-107427345-C-T.
Other names: short protein forms A300T.
Identifiers: ClinVar variation 1959605 (VCV001959605.2), dbSNP rs893646478, ClinGen allele CA164245722.